The following is an entry in ClinVar:

NM_000448.3(RAG1):c.2125G>A (p.Gly709Ser)

Gene: RAG1 (recombination activating 1; plus strand). Cytogenetic location: 11p12.
Variant type: single nucleotide variant.
Coding change: c.2125G>A on transcript NM_000448.3 (MANE Select); coding-DNA position 2125, G replaced by A.
Protein change: p.Gly709Ser; replaces glycine 709 with serine.
Molecular consequence: missense variant.
Genome position (GRCh38, 1-based): chr11:36,575,429, G>A. VCF-style: chr11-36575429-G-A. GRCh37 (hg19) VCF-style: chr11-36596979-G-A.
Other names: c.2125G>A, p.Gly709Ser (NM_001377277.1, NM_001377278.1, NM_001377279.1 and 1 more transcripts); short protein forms G709S.
Identifiers: ClinVar variation 2933345 (VCV002933345.3), dbSNP rs1850828988, ClinGen allele CA380154048.
Genomic context (GRCh38, chr11:36,575,429, plus strand): 5'-GAATTAATGCTTGAGCTGGGAGGCATTCTCCGGACTTTCAAGTTCATCTTCAGGGGCACC[G>A]GCTATGATGAAAAACTTGTGCGGGAAGTGGAAGGCCTCGAGGCTTCTGGCTCAGTCTACA-3'
Protein context (NP_000439.2, residues 699-719): RTFKFIFRGT[Gly709Ser]YDEKLVREVE

ClinVar aggregate classification (germline): Likely pathogenic (1 of 4 stars; one submission).

Conditions:
Combined immunodeficiency with skin granulomas. Identifiers: Orphanet 157949, MedGen C2673536, MONDO:0009306, OMIM 233650.
Severe combined immunodeficiency, autosomal recessive, T cell-negative, B cell-negative, NK cell-positive. Also called: Severe combined immunodeficiency due to complete RAG1/2 deficiency; SCID, T CELL-NEGATIVE, B CELL-NEGATIVE, NK CELL-POSITIVE; SCID, AR, T-cell negative, B-cell negative, NK cell-positive. Identifiers: Orphanet 331206, MedGen C1832322, MONDO:0011086, OMIM 601457.

Allele frequency attached by ClinVar (database versions not stated): gnomAD exomes below 0.00001; TOPMed below 0.00001; gnomAD 0.00001.
gnomAD v4.1: 9 of 1,614,016 alleles (0.00056%); highest among the groups gnomAD compares: African/African-American, 0.004%; no homozygotes.

Submission:

Labcorp Genetics (formerly Invitae), Labcorp
Classification: Likely pathogenic for Combined immunodeficiency with skin granulomas; Severe combined immunodeficiency, autosomal recessive, T cell-negative, B cell-negative, NK cell-positive. Last evaluated: 2024-05-13. Review status: criteria provided, single submitter. Criteria: Invitae Variant Classification Sherloc (09022015). Collection method: clinical testing. Allele origin: germline.
Comment: This sequence change replaces glycine, which is neutral and non-polar, with serine, which is neutral and polar, at codon 709 of the RAG1 protein (p.Gly709Ser). This variant is not present in population databases (gnomAD no frequency). This missense change has been observed in individual(s) with Omenn syndrome (PMID: 32655540). Advanced modeling of protein sequence and biophysical properties (such as structural, functional, and spatial information, amino acid conservation, physicochemical variation, residue mobility, and thermodynamic stability) has been performed at Invitae for this missense variant, however the output from this modeling did not meet the statistical confidence thresholds required to predict the impact of this variant on RAG1 protein function. This variant disrupts the p.Gly709 amino acid residue in RAG1. Other variant(s) that disrupt this residue have been observed in individuals with RAG1-related conditions (PMID: 16960852; Invitae), which suggests that this may be a clinically significant amino acid residue. In summary, the currently available evidence indicates that the variant is pathogenic, but additional data are needed to prove that conclusively. Therefore, this variant has been classified as Likely Pathogenic.

Literature cited by the submitters: PubMed 32655540; PubMed 16960852.